The following is an entry in ClinVar:

NM_016247.4(IMPG2):c.270A>T (p.Lys90Asn)

Gene: IMPG2 (interphotoreceptor matrix proteoglycan 2; minus strand). Cytogenetic location: 3q12.3.
Variant type: single nucleotide variant.
Coding change: c.270A>T on transcript NM_016247.4 (MANE Select); coding-DNA position 270, A replaced by T.
Protein change: p.Lys90Asn; replaces lysine 90 with asparagine.
Molecular consequence: missense variant.
Genome position (GRCh38, 1-based): chr3:101,319,648, T>A on the plus strand (A>T on the coding strand, the complement: IMPG2 is on the minus strand). VCF-style: chr3-101319648-T-A. GRCh37 (hg19) VCF-style: chr3-101038492-T-A.
Other names: short protein forms K90N.
Identifiers: ClinVar variation 1940393 (VCV001940393.5), dbSNP rs149116305, ClinGen allele CA2519525.
Genomic context (GRCh38, chr3:101,319,648, plus strand): 5'-GACTTTAAAATACTTCACATGATTTGCCACAGCCTCTGCAACACTTTCATCTGGGCAGAT[T>A]TTCACTCCATTAGGAAACAGAATAGATCTCCGCCTTCTGATTAACCACTGTCTTTCAGTT-3'
Protein context (NP_057331.2, residues 80-100): RRSILFPNGV[Lys90Asn]ICPDESVAEA

ClinVar aggregate classification (germline): Uncertain significance (1 of 4 stars; one submission).

Allele frequency attached by ClinVar (database versions not stated): ExAC 0.00001; gnomAD 0.00002; TOPMed 0.00002; gnomAD exomes 0.00005; ESP Exome Variant Server 0.00008.
gnomAD v4.1: 82 of 1,613,624 alleles (0.0051%); highest among the groups gnomAD compares: Non-Finnish European, 0.0064%; no homozygotes.

Submission:

Labcorp Genetics (formerly Invitae), Labcorp
Classification: Uncertain significance. Last evaluated: 2022-05-06. Review status: criteria provided, single submitter. Criteria: Invitae Variant Classification Sherloc (09022015). Collection method: clinical testing. Allele origin: germline.
Comment: This variant has not been reported in the literature in individuals affected with IMPG2-related conditions. This variant is present in population databases (rs149116305, gnomAD 0.003%). This sequence change replaces lysine, which is basic and polar, with asparagine, which is neutral and polar, at codon 90 of the IMPG2 protein (p.Lys90Asn). Algorithms developed to predict the effect of missense changes on protein structure and function (SIFT, PolyPhen-2, Align-GVGD) all suggest that this variant is likely to be disruptive. In summary, the available evidence is currently insufficient to determine the role of this variant in disease. Therefore, it has been classified as a Variant of Uncertain Significance.